The following is an entry in ClinVar:

ClinVar aggregate classification (germline): Uncertain significance. Review status: criteria provided, multiple submitters, no conflicts (2 of 4 stars). 2 submissions from 2 submitters: Uncertain significance (2). Last evaluated 2025-02-17.

Allele frequency attached by ClinVar (database versions not stated): TOPMed below 0.00001; gnomAD 0.00001.

Submissions (2):

Labcorp Genetics (formerly Invitae), Labcorp
Classification: Uncertain significance. Last evaluated: 2025-02-17. Review status: criteria provided, single submitter. Criteria: Invitae Variant Classification Sherloc (09022015). Collection method: clinical testing. Allele origin: germline.
Comment: This sequence change replaces proline, which is neutral and non-polar, with leucine, which is neutral and non-polar, at codon 983 of the ZMIZ1 protein (p.Pro983Leu). This variant is not present in population databases (gnomAD no frequency). This variant has not been reported in the literature in individuals affected with ZMIZ1-related conditions. ClinVar contains an entry for this variant (Variation ID: 2801120). Invitae Evidence Modeling of protein sequence and biophysical properties (such as structural, functional, and spatial information, amino acid conservation, physicochemical variation, residue mobility, and thermodynamic stability) indicates that this missense variant is not expected to disrupt ZMIZ1 protein function with a negative predictive value of 95%. In summary, the available evidence is currently insufficient to determine the role of this variant in disease. Therefore, it has been classified as a Variant of Uncertain Significance.

CeGaT Center for Human Genetics Tuebingen
Classification: Uncertain significance. Last evaluated: 2023-12-01. Review status: criteria provided, single submitter. Criteria: CeGaT Center For Human Genetics Tuebingen Variant Classification Criteria Version 2. Collection method: clinical testing. Allele origin: germline. Affected: yes. Observed: 1 variant allele.
Comment: ZMIZ1: PM2, BP4

NM_020338.4(ZMIZ1):c.2948C>T (p.Pro983Leu)

Gene: ZMIZ1 (zinc finger MIZ-type containing 1; plus strand). Cytogenetic location: 10q22.3.
Variant type: single nucleotide variant.
Coding change: c.2948C>T on transcript NM_020338.4 (MANE Select); coding-DNA position 2948, C replaced by T.
Protein change: p.Pro983Leu; replaces proline 983 with leucine.
Molecular consequence: missense variant.
Genome position (GRCh38, 1-based): chr10:79,311,036, C>T. VCF-style: chr10-79311036-C-T. GRCh37 (hg19) VCF-style: chr10-81070793-C-T.
Other names: short protein forms P983L.
Identifiers: ClinVar variation 2801120 (VCV002801120.25), dbSNP rs1855116953, ClinGen allele CA377344475.